The following is an entry in ClinVar:

ClinVar aggregate classification (germline): Pathogenic (1 of 4 stars; one submission).

Conditions:
Hereditary spastic paraplegia 11. Also called: Spastic paraplegia, mental retardation and thin corpus callosum; Nakamura Osame syndrome; Autosomal recessive hereditary spastic paraplegia, mental impairment, and thin corpus callosum; SPASTIC PARAPLEGIA, AUTOSOMAL RECESSIVE, COMPLICATED, WITH THIN CORPUS CALLOSUM; SPASTIC PARAPLEGIA, AUTOSOMAL RECESSIVE, WITH MENTAL IMPAIRMENT AND THIN CORPUS CALLOSUM; Spastic Paraplegia 11. Identifiers: Orphanet 2822, MedGen C1858479, MONDO:0011445, OMIM 604360.

Allele frequency attached by ClinVar (database versions not stated): gnomAD exomes below 0.00001.
gnomAD v4.1: 2 of 1,614,056 alleles (0.00012%); highest among the groups gnomAD compares: Non-Finnish European, 0.00017%; no homozygotes.

Submission:

Labcorp Genetics (formerly Invitae), Labcorp
Classification: Pathogenic for Hereditary spastic paraplegia 11. Last evaluated: 2023-05-01. Review status: criteria provided, single submitter. Criteria: Invitae Variant Classification Sherloc (09022015). Collection method: clinical testing. Allele origin: germline.
Comment: ClinVar contains an entry for this variant (Variation ID: 846656). For these reasons, this variant has been classified as Pathogenic. This premature translational stop signal has been observed in individual(s) with hereditary spastic paraplegia (Invitae). This variant is not present in population databases (gnomAD no frequency). This sequence change creates a premature translational stop signal (p.Trp384*) in the SPG11 gene. It is expected to result in an absent or disrupted protein product. Loss-of-function variants in SPG11 are known to be pathogenic (PMID: 19105190, 20110243, 22154821, 26556829).

Literature cited by the submitters: PubMed 19105190; PubMed 20110243; PubMed 22154821; PubMed 26556829.

NM_025137.4(SPG11):c.1152G>A (p.Trp384Ter)

Gene: SPG11 (SPG11 vesicle trafficking associated, spatacsin; minus strand). Cytogenetic location: 15q21.1.
Variant type: single nucleotide variant.
Coding change: c.1152G>A on transcript NM_025137.4 (MANE Select); coding-DNA position 1152, G replaced by A.
Protein change: p.Trp384Ter; replaces tryptophan 384 with a stop codon.
Molecular consequence: nonsense.
Genome position (GRCh38, 1-based): chr15:44,651,795, C>T on the plus strand (G>A on the coding strand, the complement: SPG11 is on the minus strand). VCF-style: chr15-44651795-C-T. GRCh37 (hg19) VCF-style: chr15-44943993-C-T.
Other names: c.1152G>A, p.Trp384Ter (NM_001160227.2); short protein forms W384*.
Identifiers: ClinVar variation 846656 (VCV000846656.9), dbSNP rs2084787275, ClinGen allele CA392236476.
Genomic context (GRCh38, chr15:44,651,795, plus strand): 5'-GGCATGATCTTTCTGTAGAACATTATATTGCCCATGCATTATGTCCTGTGGAATGAAGGC[C>T]CAGCTCTGCACACTTGTACTGTGGTTACCAGATTCAGGTGACTCCAAATGCAAAATATCC-3'